The following is an entry in ClinVar:

ClinVar aggregate classification (germline): Uncertain significance (1 of 4 stars; one submission).

Submission:

Women's Health and Genetics/Laboratory Corporation of America, LabCorp
Classification: Uncertain significance. Last evaluated: 2026-05-12. Review status: criteria provided, single submitter. Criteria: LabCorp Variant Classification Summary - May 2015. Collection method: clinical testing. Allele origin: germline.
Comment: Variant summary: HPD c.652C>T (p.His218Tyr) results in a conservative amino acid change in the encoded protein sequence. Algorithms developed to predict the effect of missense changes on protein structure and function are either unavailable or do not agree on the potential impact of this missense change. The variant allele was found at a frequency of 4e-06 in 251492 control chromosomes. The available data on variant occurrences in the general population are insufficient to allow any conclusion about variant significance. To our knowledge, no occurrence of c.652C>T in individuals affected with HPD-related conditions and no experimental evidence demonstrating its impact on protein function have been reported. No submitters have cited clinical-significance assessments for this variant to ClinVar. Based on the evidence outlined above, the variant was classified as uncertain significance.

NM_002150.3(HPD):c.652C>T (p.His218Tyr)

Genes: HPD (4-hydroxyphenylpyruvate dioxygenase; minus strand), TIALD (transcript inducer of AURKA lysosomal degradation; plus strand). Cytogenetic location: 12q24.31.
Variant type: single nucleotide variant.
Coding change: c.652C>T on transcript NM_002150.3 (MANE Select); coding-DNA position 652, C replaced by T.
Protein change: p.His218Tyr; replaces histidine 218 with tyrosine.
Molecular consequence: missense variant.
Genome position (GRCh38, 1-based): chr12:121,847,159, G>A on the plus strand (C>T on the coding strand, the complement: HPD is on the minus strand). VCF-style: chr12-121847159-G-A. GRCh37 (hg19) VCF-style: chr12-122285065-G-A.
Other names: c.535C>T, p.His179Tyr (NM_001171993.2); short protein forms H179Y, H218Y.
Identifiers: ClinVar variation 4853215 (VCV004853215.1).
Genomic context (GRCh38, chr12:121,847,159, plus strand): 5'-TCTTGATGGACTCTTCATAGTTGGCCACCACAATGGATCGCAGAGAGCTATATTCCGTGT[G>A]CACCTGCGTGTCATCCACGGACCAGAAGCGGTGGAACTGCAGGTTTTTCAGGTACCTGTA-3'
Protein context (NP_002141.2, residues 208-228): RFWSVDDTQV[His218Tyr]TEYSSLRSIV